The following is an entry in ClinVar:

NM_001379180.1(ESRRB):c.952G>A (p.Asp318Asn)

Gene: ESRRB (estrogen related receptor beta; plus strand). Cytogenetic location: 14q24.3.
Variant type: single nucleotide variant.
Coding change: c.952G>A on transcript NM_001379180.1 (MANE Select); coding-DNA position 952, G replaced by A.
Protein change: p.Asp318Asn; replaces aspartic acid 318 with asparagine.
Molecular consequence: missense variant.
Genome position (GRCh38, 1-based): chr14:76,491,548, G>A. VCF-style: chr14-76491548-G-A. GRCh37 (hg19) VCF-style: chr14-76957891-G-A.
Other names: c.889G>A, p.Asp297Asn (NM_004452.4); short protein forms D297N, D318N.
Identifiers: ClinVar variation 228675 (VCV000228675.22), dbSNP rs201344770, ClinGen allele CA7281734.

ClinVar aggregate classification (germline): Conflicting classifications of pathogenicity. Review status: criteria provided, conflicting classifications (1 of 4 stars). 5 submissions from 5 submitters: Uncertain significance (3); Likely benign (2). Last evaluated 2025-11-11.

Conditions:
Autosomal recessive nonsyndromic hearing loss 35. Identifiers: Orphanet 90636, MedGen C1837857, MONDO:0012060, OMIM 608565.

Allele frequency attached by ClinVar (database versions not stated): gnomAD exomes 0.00012 and 0.00021; gnomAD 0.00022 and 0.00025; ExAC 0.00026; TOPMed 0.00045; 1000 Genomes Project 30x 0.00047; 1000 Genomes Project 0.00060.
gnomAD v4.1: 227 of 1,593,616 alleles (0.014%); highest among the groups gnomAD compares: Admixed American, 0.12%; 2 homozygotes.

Submissions (5):

Labcorp Genetics (formerly Invitae), Labcorp
Classification: Likely benign. Last evaluated: 2025-11-11. Review status: criteria provided, single submitter. Criteria: Invitae Variant Classification Sherloc (09022015). Collection method: clinical testing. Allele origin: germline.

GeneDx
Classification: Uncertain significance. Last evaluated: 2025-11-08. Review status: criteria provided, single submitter. Criteria: GeneDx Variant Classification Process June 2021. Collection method: clinical testing. Allele origin: germline. Affected: yes.
Comment: Reported in a patient with Meniere disease in published literature (PMID: 30828346); In silico analysis suggests that this missense variant does not alter protein structure/function; This variant is associated with the following publications: (PMID: 30828346)

Blueprint Genetics
Classification: Likely benign. Last evaluated: 2024-11-12. Review status: criteria provided, single submitter. Criteria: ACMG Guidelines, 2015. Collection method: clinical testing. Allele origin: germline.

Illumina Laboratory Services, Illumina
Classification: Uncertain significance for Autosomal recessive nonsyndromic hearing loss 35. Last evaluated: 2018-01-12. Review status: criteria provided, single submitter. Criteria: ICSL Variant Classification Criteria 13 December 2019. Collection method: clinical testing. Allele origin: germline.

Laboratory for Molecular Medicine, Mass General Brigham Personalized Medicine
Classification: Uncertain significance. Last evaluated: 2016-03-14. Review status: criteria provided, single submitter. Criteria: LMM Criteria. Collection method: clinical testing. Allele origin: germline. Observed: 1 variant allele.
Comment: The p.Asp297Asn variant in ESRRB has not been previously reported in individuals with hearing loss, but has been identified in 9/3358 Latino chromosomes and 5/3 4372 European chromosomes by the Exome Aggregation Consortium (ExAC .; dbSNP rs20134470). Although this variant has been seen in t he general population, its frequency is not high enough to rule out a pathogenic role. Computational prediction tools and conservation analyses do not provide s trong support for or against an impact to the protein. In summary, the clinical significance of the p.Asp297Asn variant is uncertain.